The following is an entry in ClinVar:

NC_000014.8:g.(?_91738969)_(91760682_?)del

Gene: CCDC88C (coiled-coil domain containing 88C; minus strand). Cytogenetic location: 14q32.11.
Variant type: Deletion.
Identifiers: ClinVar variation 3244064 (VCV003244064.1).

ClinVar aggregate classification (germline): Pathogenic (1 of 4 stars; one submission).

Submission:

Labcorp Genetics (formerly Invitae), Labcorp
Classification: Pathogenic. Last evaluated: 2023-08-02. Review status: criteria provided, single submitter. Criteria: Invitae Variant Classification Sherloc (09022015). Collection method: clinical testing. Allele origin: unknown.
Comment: For these reasons, this variant has been classified as Pathogenic. This variant disrupts a region of the CCDC88C protein in which other variant(s) (p.Glu1949Glyfs*26) have been determined to be pathogenic (PMID: 23042809). This suggests that this is a clinically significant region of the protein, and that variants that disrupt it are likely to be disease-causing. This variant has not been reported in the literature in individuals affected with CCDC88C-related conditions. This variant is a gross deletion of the genomic region encompassing exon(s) 23-30 of the CCDC88C gene, which includes the termination codon. This deletion extends beyond the assayed region for this gene and therefore may encompass additional genes. While this deletion is not anticipated to lead to nonsense mediated decay, it is expected to alter mRNA translation or result in a truncated protein product.

Literature cited by the submitters: PubMed 23042809.